The following is an entry in ClinVar:

NM_178140.4(PDZD2):c.6120G>A (p.Ala2040=)

Gene: PDZD2 (PDZ domain containing 2; plus strand). Cytogenetic location: 5p13.3.
Variant type: single nucleotide variant.
Coding change: c.6120G>A on transcript NM_178140.4 (MANE Select); coding-DNA position 6120, G replaced by A.
Protein change: p.Ala2040=; no amino-acid change (alanine 2040 retained).
Molecular consequence: synonymous variant.
Genome position (GRCh38, 1-based): chr5:32,089,568, G>A. VCF-style: chr5-32089568-G-A. GRCh37 (hg19) VCF-style: chr5-32089674-G-A.
Identifiers: ClinVar variation 3034251 (VCV003034251.2), dbSNP rs150986745, ClinGen allele CA3220055.

ClinVar aggregate classification (germline): Likely benign (0 of 4 stars; one submission).

Conditions:
PDZD2-related disorder. Also called: PDZD2-related condition.

Allele frequency attached by ClinVar (database versions not stated): ExAC 0.00023; ESP Exome Variant Server 0.00031; gnomAD exomes 0.00033.
gnomAD v4.1: 526 of 1,612,298 alleles (0.033%); highest among the groups gnomAD compares: Non-Finnish European, 0.035%; 2 homozygotes.

Submission:

PreventionGenetics, part of Exact Sciences
Classification: Likely benign for PDZD2-related condition. Last evaluated: 2019-06-11. Review status: no assertion criteria provided. Collection method: clinical testing. Allele origin: germline.
Comment: This variant is classified as likely benign based on ACMG/AMP sequence variant interpretation guidelines (Richards et al. 2015 PMID: 25741868, with internal and published modifications).